The following is an entry in ClinVar:

ClinVar aggregate classification (germline): Uncertain significance (1 of 4 stars; one submission).

Allele frequency attached by ClinVar (database versions not stated): TOPMed 0.00001.
gnomAD v4.1: 5 of 1,585,872 alleles (0.00032%); highest among the groups gnomAD compares: African/African-American, 0.0013%; no homozygotes.

Submission:

Labcorp Genetics (formerly Invitae), Labcorp
Classification: Uncertain significance. Last evaluated: 2023-11-27. Review status: criteria provided, single submitter. Criteria: Invitae Variant Classification Sherloc (09022015). Collection method: clinical testing. Allele origin: germline.
Comment: This sequence change replaces arginine, which is basic and polar, with histidine, which is basic and polar, at codon 686 of the SLC24A1 protein (p.Arg686His). This variant is not present in population databases (gnomAD no frequency). This variant has not been reported in the literature in individuals affected with SLC24A1-related conditions. ClinVar contains an entry for this variant (Variation ID: 1036513). Algorithms developed to predict the effect of missense changes on protein structure and function output the following: SIFT: "Not Available"; PolyPhen-2: "Benign"; Align-GVGD: "Not Available". The histidine amino acid residue is found in multiple mammalian species, which suggests that this missense change does not adversely affect protein function. In summary, the available evidence is currently insufficient to determine the role of this variant in disease. Therefore, it has been classified as a Variant of Uncertain Significance.

NM_004727.3(SLC24A1):c.2057G>A (p.Arg686His)

Gene: SLC24A1 (solute carrier family 24 member 1; plus strand). Cytogenetic location: 15q22.31.
Variant type: single nucleotide variant.
Coding change: c.2057G>A on transcript NM_004727.3 (MANE Select); coding-DNA position 2057, G replaced by A.
Protein change: p.Arg686His; replaces arginine 686 with histidine.
Molecular consequence: missense variant.
Genome position (GRCh38, 1-based): chr15:65,644,430, G>A. VCF-style: chr15-65644430-G-A. GRCh37 (hg19) VCF-style: chr15-65936768-G-A.
Other names: c.38G>A, p.Arg13His (NM_001254740.2); c.2057G>A, p.Arg686His (NM_001301031.1); c.2003G>A, p.Arg668His (NM_001301032.1, NM_001301033.2); short protein forms R686H, R13H, R668H.
Identifiers: ClinVar variation 1036513 (VCV001036513.9), dbSNP rs538479361, ClinGen allele CA271567225.